The following is an entry in ClinVar:

NM_001286.5(CLCN6):c.1453C>G (p.Pro485Ala)

Gene: CLCN6 (chloride voltage-gated channel 6; plus strand). Cytogenetic location: 1p36.22.
Variant type: single nucleotide variant.
Coding change: c.1453C>G on transcript NM_001286.5 (MANE Select); coding-DNA position 1453, C replaced by G.
Protein change: p.Pro485Ala; replaces proline 485 with alanine.
Molecular consequence: missense variant. On other transcripts: non-coding transcript variant (1).
Genome position (GRCh38, 1-based): chr1:11,833,957, C>G. VCF-style: chr1-11833957-C-G. GRCh37 (hg19) VCF-style: chr1-11894014-C-G.
Other names: c.1387C>G, p.Pro463Ala (NM_001256959.2); short protein forms P485A, P463A.
Identifiers: ClinVar variation 2469611 (VCV002469611.4), dbSNP rs2523153799, ClinGen allele CA338435518.

ClinVar aggregate classification (germline): Uncertain significance. Review status: criteria provided, multiple submitters, no conflicts (2 of 4 stars). 2 submissions from 2 submitters: Uncertain significance (2). Last evaluated 2024-04-27.

Submissions (2):

Labcorp Genetics (formerly Invitae), Labcorp
Classification: Uncertain significance. Last evaluated: 2024-04-27. Review status: criteria provided, single submitter. Criteria: Invitae Variant Classification Sherloc (09022015). Collection method: clinical testing. Allele origin: germline.
Comment: This sequence change replaces proline, which is neutral and non-polar, with alanine, which is neutral and non-polar, at codon 485 of the CLCN6 protein (p.Pro485Ala). This variant is not present in population databases (gnomAD no frequency). This variant has not been reported in the literature in individuals affected with CLCN6-related conditions. ClinVar contains an entry for this variant (Variation ID: 2469611). An algorithm developed to predict the effect of missense changes on protein structure and function (PolyPhen-2) suggests that this variant is likely to be disruptive. In summary, the available evidence is currently insufficient to determine the role of this variant in disease. Therefore, it has been classified as a Variant of Uncertain Significance.

Ambry Genetics
Classification: Uncertain significance. Last evaluated: 2023-01-24. Review status: criteria provided, single submitter. Criteria: Ambry Variant Classification Scheme 2023. Collection method: clinical testing. Allele origin: germline.